The following is an entry in ClinVar:

ClinVar aggregate classification (germline): Uncertain significance (1 of 4 stars; one submission).

Submission:

GeneDx
Classification: Uncertain significance. Last evaluated: 2024-06-25. Review status: criteria provided, single submitter. Criteria: GeneDx Variant Classification Process June 2021. Collection method: clinical testing. Allele origin: germline. Affected: yes.
Comment: Not observed at significant frequency in large population cohorts (gnomAD); In silico analysis supports that this missense variant has a deleterious effect on protein structure/function; Has not been previously published as pathogenic or benign to our knowledge; This variant is associated with the following publications: (PMID: 11781872, 29230096)

NM_000141.5(FGFR2):c.913G>A (p.Gly305Arg)

Gene: FGFR2 (fibroblast growth factor receptor 2; minus strand). Cytogenetic location: 10q26.13.
Variant type: single nucleotide variant.
Coding change: c.913G>A on transcript NM_000141.5 (MANE Select); coding-DNA position 913, G replaced by A.
Protein change: p.Gly305Arg; replaces glycine 305 with arginine.
Molecular consequence: missense variant. On other transcripts: non-coding transcript variant (1), intron variant (1).
Genome position (GRCh38, 1-based): chr10:121,520,005, C>T on the plus strand (G>A on the coding strand, the complement: FGFR2 is on the minus strand). VCF-style: chr10-121520005-C-T. GRCh37 (hg19) VCF-style: chr10-123279519-C-T.
Other names: c.913G>A, p.Gly305Arg (NM_001144913.1, NM_001144917.2, NM_001320658.2 and 1 more transcripts); c.646G>A, p.Gly216Arg (NM_001144915.2, NM_001144919.2, NM_023029.3); c.568G>A, p.Gly190Arg (NM_001144916.2, NM_001144918.2); c.229G>A, p.Gly77Arg (NM_001320654.2); c.749-4686G>A (NM_001144914.1); short protein forms G190R, G216R, G305R, G77R.
Identifiers: ClinVar variation 3392693 (VCV003392693.1).